The following is an entry in ClinVar:

ClinVar aggregate classification (germline): Uncertain significance (1 of 4 stars; one submission).

Conditions:
Carnitine palmitoyltransferase II deficiency. Also called: Carnitine Palmitoyltransferase 2 Deficiency. Identifiers: Orphanet 157, MedGen C0342790, MONDO:0015515.

Allele frequency attached by ClinVar (database versions not stated): gnomAD exomes below 0.00001.
gnomAD v4.1: 4 of 1,614,132 alleles (0.00025%); highest among the groups gnomAD compares: Non-Finnish European, 0.00034%; no homozygotes.

Submission:

Labcorp Genetics (formerly Invitae), Labcorp
Classification: Uncertain significance for Carnitine palmitoyltransferase II deficiency. Last evaluated: 2021-11-28. Review status: criteria provided, single submitter. Criteria: Invitae Variant Classification Sherloc (09022015). Collection method: clinical testing. Allele origin: germline.
Comment: This sequence change replaces phenylalanine, which is neutral and non-polar, with leucine, which is neutral and non-polar, at codon 221 of the CPT2 protein (p.Phe221Leu). This variant is not present in population databases (gnomAD no frequency). This variant has not been reported in the literature in individuals affected with CPT2-related conditions. Algorithms developed to predict the effect of missense changes on protein structure and function are either unavailable or do not agree on the potential impact of this missense change (SIFT: "Deleterious"; PolyPhen-2: "Probably Damaging"; Align-GVGD: "Class C0"). In summary, the available evidence is currently insufficient to determine the role of this variant in disease. Therefore, it has been classified as a Variant of Uncertain Significance.

NM_000098.3(CPT2):c.663C>A (p.Phe221Leu)

Gene: CPT2 (carnitine palmitoyltransferase 2; plus strand). Cytogenetic location: 1p32.3.
Variant type: single nucleotide variant.
Coding change: c.663C>A on transcript NM_000098.3 (MANE Select); coding-DNA position 663, C replaced by A.
Protein change: p.Phe221Leu; replaces phenylalanine 221 with leucine.
Molecular consequence: missense variant.
Genome position (GRCh38, 1-based): chr1:53,210,337, C>A. VCF-style: chr1-53210337-C-A. GRCh37 (hg19) VCF-style: chr1-53676009-C-A.
Other names: c.663C>A, p.Phe221Leu (NM_001330589.2); short protein forms F221L.
Identifiers: ClinVar variation 1469871 (VCV001469871.3), dbSNP rs2100272366, ClinGen allele CA340393156.